The following is an entry in ClinVar:

NM_005188.4(CBL):c.16A>C (p.Lys6Gln)

Genes: CBL (Cbl proto-oncogene; plus strand), LOC130006895 (ATAC-STARR-seq lymphoblastoid silent region 3975; plus strand). Cytogenetic location: 11q23.3.
Variant type: single nucleotide variant.
Coding change: c.16A>C on transcript NM_005188.4 (MANE Select); coding-DNA position 16, A replaced by C.
Protein change: p.Lys6Gln; replaces lysine 6 with glutamine.
Molecular consequence: missense variant.
Genome position (GRCh38, 1-based): chr11:119,206,433, A>C. VCF-style: chr11-119206433-A-C. GRCh37 (hg19) VCF-style: chr11-119077143-A-C.
Other names: c.16A>C (NM_005188.2); short protein forms K6Q.
Identifiers: ClinVar variation 1334223 (VCV001334223.11), dbSNP rs746355406, ClinGen allele CA6318209.

ClinVar aggregate classification (germline): Uncertain significance. Review status: criteria provided, multiple submitters, no conflicts (2 of 4 stars). 5 submissions from 5 submitters: Uncertain significance (5). Last evaluated 2026-02-02.

Conditions:
Noonan syndrome and Noonan-related syndrome. Identifiers: Orphanet 98733, MedGen C5681679, MONDO:0020297.
RASopathy. Also called: rasopathies; Noonan spectrum disorder. Identifiers: Orphanet 536391, MedGen C5555857, MONDO:0021060.
Cardiovascular phenotype. Identifiers: MedGen CN230736.

Allele frequency attached by ClinVar (database versions not stated): gnomAD exomes 0.00001; ExAC 0.00004.
gnomAD v4.1: 3 of 1,572,394 alleles (0.00019%); highest among the groups gnomAD compares: Non-Finnish European, 0.00026%; no homozygotes.

Submissions (5):

Women's Health and Genetics/Laboratory Corporation of America, LabCorp
Classification: Uncertain significance. Last evaluated: 2026-02-02. Review status: criteria provided, single submitter. Criteria: LabCorp Variant Classification Summary - May 2015. Collection method: clinical testing. Allele origin: germline.
Comment: Variant summary: CBL c.16A>C (p.Lys6Gln) results in a conservative amino acid change in the encoded protein sequence. Algorithms developed to predict the effect of missense changes on protein structure and function are either unavailable or do not agree on the potential impact of this missense change. The variant allele was found at a frequency of 1.1e-05 in 186736 control chromosomes. The available data on variant occurrences in the general population are insufficient to allow any conclusion about variant significance. To our knowledge, no occurrence of c.16A>C in individuals affected with CBL-related conditions and no experimental evidence demonstrating its impact on protein function have been reported. ClinVar contains an entry for this variant (Variation ID: 1334223). Based on the evidence outlined above, the variant was classified as uncertain significance.

Labcorp Genetics (formerly Invitae), Labcorp
Classification: Uncertain significance for RASopathy. Last evaluated: 2025-10-29. Review status: criteria provided, single submitter. Criteria: Invitae Variant Classification Sherloc (09022015). Collection method: clinical testing. Allele origin: germline.
Comment: This sequence change replaces lysine, which is basic and polar, with glutamine, which is neutral and polar, at codon 6 of the CBL protein (p.Lys6Gln). This variant is present in population databases (rs746355406, gnomAD 0.002%). This variant has not been reported in the literature in individuals affected with CBL-related conditions. ClinVar contains an entry for this variant (Variation ID: 1334223). Invitae Evidence Modeling of protein sequence and biophysical properties (such as structural, functional, and spatial information, amino acid conservation, physicochemical variation, residue mobility, and thermodynamic stability) indicates that this missense variant is not expected to disrupt CBL protein function with a negative predictive value of 95%. In summary, the available evidence is currently insufficient to determine the role of this variant in disease. Therefore, it has been classified as a Variant of Uncertain Significance.

Ambry Genetics
Classification: Uncertain significance for Cardiovascular phenotype. Last evaluated: 2025-05-25. Review status: criteria provided, single submitter. Criteria: Ambry Variant Classification Scheme 2023. Collection method: clinical testing. Allele origin: germline.
Comment: The p.K6Q variant (also known as c.16A>C), located in coding exon 1 of the CBL gene, results from an A to C substitution at nucleotide position 16. The lysine at codon 6 is replaced by glutamine, an amino acid with similar properties. This amino acid position is conserved. In addition, the in silico prediction for this alteration is inconclusive. Based on the available evidence, the clinical significance of this variant remains unclear.

GeneDx
Classification: Uncertain significance. Last evaluated: 2024-10-07. Review status: criteria provided, single submitter. Criteria: GeneDx Variant Classification Process June 2021. Collection method: clinical testing. Allele origin: germline. Affected: yes.
Comment: In silico analysis indicates that this missense variant does not alter protein structure/function; Has not been previously published as pathogenic or benign to our knowledge; This variant is associated with the following publications: (PMID: 18034775)

Genome Diagnostics Laboratory, The Hospital for Sick Children
Classification: Uncertain significance for Noonan syndrome and Noonan-related syndrome. Last evaluated: 2021-04-10. Review status: criteria provided, single submitter. Criteria: ACMG Guidelines, 2015. Collection method: clinical testing. Allele origin: germline.